The following is an entry in ClinVar:

ClinVar aggregate classification (germline): Uncertain significance (1 of 4 stars; one submission).

Conditions:
Baller-Gerold syndrome (BGS). Also called: CRANIOSYNOSTOSIS WITH RADIAL DEFECTS. Identifiers: Orphanet 1225, MedGen C0265308, MONDO:0009039, OMIM 218600.

Allele frequency attached by ClinVar (database versions not stated): gnomAD 0.00001; TOPMed 0.00001.
gnomAD v4.1: 2 of 1,590,006 alleles (0.00013%); highest among the groups gnomAD compares: African/African-American, 0.0027%; no homozygotes.

Submission:

Labcorp Genetics (formerly Invitae), Labcorp
Classification: Uncertain significance for Baller-Gerold syndrome. Last evaluated: 2024-01-12. Review status: criteria provided, single submitter. Criteria: Invitae Variant Classification Sherloc (09022015). Collection method: clinical testing. Allele origin: germline.
Comment: This sequence change replaces histidine, which is basic and polar, with arginine, which is basic and polar, at codon 900 of the RECQL4 protein (p.His900Arg). This variant is not present in population databases (gnomAD no frequency). This variant has not been reported in the literature in individuals affected with RECQL4-related conditions. ClinVar contains an entry for this variant (Variation ID: 950099). Advanced modeling of protein sequence and biophysical properties (such as structural, functional, and spatial information, amino acid conservation, physicochemical variation, residue mobility, and thermodynamic stability) performed at Invitae indicates that this missense variant is expected to disrupt RECQL4 protein function with a positive predictive value of 80%. In summary, the available evidence is currently insufficient to determine the role of this variant in disease. Therefore, it has been classified as a Variant of Uncertain Significance.

NM_004260.4(RECQL4):c.2699A>G (p.His900Arg)

Gene: RECQL4 (RecQ like helicase 4; minus strand). Cytogenetic location: 8q24.3.
Variant type: single nucleotide variant.
Coding change: c.2699A>G on transcript NM_004260.4 (MANE Select); coding-DNA position 2699, A replaced by G.
Protein change: p.His900Arg; replaces histidine 900 with arginine.
Molecular consequence: missense variant.
Genome position (GRCh38, 1-based): chr8:144,512,903, T>C on the plus strand (A>G on the coding strand, the complement: RECQL4 is on the minus strand). VCF-style: chr8-144512903-T-C. GRCh37 (hg19) VCF-style: chr8-145738286-T-C.
Other names: short protein forms H900R.
Identifiers: ClinVar variation 950099 (VCV000950099.6), dbSNP rs1827524156, ClinGen allele CA372675139.